The following is an entry in ClinVar:

NM_001394062.1(MACF1):c.3064G>A (p.Ala1022Thr)

Gene: MACF1 (microtubule actin crosslinking factor 1; plus strand). Cytogenetic location: 1p34.3.
Variant type: single nucleotide variant.
Coding change: c.3064G>A on transcript NM_001394062.1 (MANE Select); coding-DNA position 3064, G replaced by A.
Protein change: p.Ala1022Thr; replaces alanine 1022 with threonine.
Molecular consequence: missense variant.
Genome position (GRCh38, 1-based): chr1:39,310,392, G>A. VCF-style: chr1-39310392-G-A. GRCh37 (hg19) VCF-style: chr1-39776064-G-A.
Other names: c.3079G>A, p.Ala1027Thr (NM_012090.5); short protein forms A1027T, A1022T.
Identifiers: ClinVar variation 4979014 (VCV004979014.1).
Genomic context (GRCh38, chr1:39,310,392, plus strand): 5'-TCTGTGCTGTTCTCAGTGGCTGATCGCTTGCGCTTGGAAGAGGAGGTGGAAGCTTGTAAA[G>A]CCCGCTTCCAGCACCTGATGAAGTCCATGGAGAATGGTGTGTGCACTGGGAAGAGGGAAA-3'
Protein context (NP_001380991.1, residues 1012-1032): RLEEEVEACK[Ala1022Thr]RFQHLMKSME

ClinVar aggregate classification (germline): Uncertain significance (1 of 4 stars; one submission).

Conditions:
MACF1-related disorder. Also called: MACF1-related condition.

gnomAD v4.1: 2 of 1,614,150 alleles (0.00012%); highest among the groups gnomAD compares: Non-Finnish European, 0.00017%; no homozygotes.

Submission:

PreventionGenetics, part of Exact Sciences
Classification: Uncertain significance for MACF1-related condition. Last evaluated: 2025-11-20. Review status: criteria provided, single submitter. Criteria: ACMG Guidelines, 2015. Collection method: clinical testing. Allele origin: germline.
Comment: The MACF1 c.3079G>A variant is predicted to result in the amino acid substitution p.Ala1027Thr. To our knowledge, this variant has not been reported in the literature or in a large population database (gnomAD), indicating this variant is rare. At this time, the clinical significance of this variant is uncertain due to the absence of conclusive functional and genetic evidence.